The following is an entry in ClinVar:

ClinVar aggregate classification (germline): Conflicting classifications of pathogenicity. Review status: criteria provided, conflicting classifications (1 of 4 stars). 3 submissions from 3 submitters: Uncertain significance (2); Likely benign (1). Last evaluated 2026-02-27.

Conditions:
Inborn genetic diseases. Identifiers: MedGen C0950123, MeSH D030342.
ADGRV1-related disorder. Also called: ADGRV1-related condition; ADGRV1-related disorders.

Allele frequency attached by ClinVar (database versions not stated): gnomAD 0.00002; TOPMed 0.00004.
gnomAD v4.1: 6 of 1,613,428 alleles (0.00037%); highest among the groups gnomAD compares: African/African-American, 0.0053%; no homozygotes.

Submissions (3):

PreventionGenetics, part of Exact Sciences
Classification: Uncertain significance for ADGRV1-related condition. Last evaluated: 2026-02-27. Review status: criteria provided, single submitter. Criteria: ACMG Guidelines, 2015. Collection method: clinical testing. Allele origin: germline.
Comment: The ADGRV1 c.13367C>T variant is predicted to result in the amino acid substitution p.Thr4456Ile. To our knowledge, this variant has not been reported in the literature. This variant is reported in 0.0041% of alleles in individuals of African descent in gnomAD. At this time, the clinical significance of this variant is uncertain due to the absence of conclusive functional and genetic evidence.

Labcorp Genetics (formerly Invitae), Labcorp
Classification: Likely benign. Last evaluated: 2025-08-22. Review status: criteria provided, single submitter. Criteria: Invitae Variant Classification Sherloc (09022015). Collection method: clinical testing. Allele origin: germline.

Ambry Genetics
Classification: Uncertain significance for Inborn genetic diseases. Last evaluated: 2025-01-21. Review status: criteria provided, single submitter. Criteria: Ambry Variant Classification Scheme 2023. Collection method: clinical testing. Allele origin: germline.

NM_032119.4(ADGRV1):c.13367C>T (p.Thr4456Ile)

Gene: ADGRV1 (adhesion G protein-coupled receptor V1; plus strand). Cytogenetic location: 5q14.3.
Variant type: single nucleotide variant.
Coding change: c.13367C>T on transcript NM_032119.4 (MANE Select); coding-DNA position 13367, C replaced by T.
Protein change: p.Thr4456Ile; replaces threonine 4456 with isoleucine.
Molecular consequence: missense variant. On other transcripts: non-coding transcript variant (1).
Genome position (GRCh38, 1-based): chr5:90,783,259, C>T. VCF-style: chr5-90783259-C-T. GRCh37 (hg19) VCF-style: chr5-90079076-C-T.
Other names: c.13367C>T (NM_032119.3); short protein forms T4456I.
Identifiers: ClinVar variation 1041671 (VCV001041671.12), dbSNP rs981669644, ClinGen allele CA122809170.
Genomic context (GRCh38, chr5:90,783,259, plus strand): 5'-TCATCTCTCAGAGCTCCTCTGCCAGTCCCGGAGGTGTTGATTACATTTTGCATGGCAGTA[C>T]AGTCACCTTTCAGCATGGGCAAAACTTAAGTTTTATAAATATCTCCATCATTGATGACAA-3'
Protein context (NP_115495.3, residues 4446-4466): GGVDYILHGS[Thr4456Ile]VTFQHGQNLS